The following is an entry in ClinVar:

NM_015087.5(SPART):c.776del (p.Asp259fs)

Gene: SPART (spartin; minus strand). Cytogenetic location: 13q13.3.
Variant type: Deletion.
Coding change: c.776del on transcript NM_015087.5 (MANE Select); coding-DNA position 776, one base deleted (A; older notation c.776delA).
Protein change: p.Asp259fs; shifts the reading frame from aspartic acid 259.
Molecular consequence: frameshift variant.
Genome position (GRCh38, 1-based): chr13:36,335,055, T deleted on the plus strand (A on the coding strand, the reverse complement: SPART is on the minus strand). VCF-style (leftmost placement, unchanged base first): chr13-36335054-AT-A. GRCh37 (hg19) VCF-style: chr13-36909191-AT-A.
Other names: c.776del, p.Asp259fs (NM_001142294.2, NM_001142295.2, NM_001142296.2); c.776delA (NM_015087.4); short protein forms D259fs.
Identifiers: ClinVar variation 2186296 (VCV002186296.5), dbSNP rs748865622, ClinGen allele CA6949579.

ClinVar aggregate classification (germline): Pathogenic/Likely pathogenic. Review status: criteria provided, multiple submitters, no conflicts (2 of 4 stars). 2 submissions from 2 submitters: Pathogenic (1); Likely pathogenic (1). Last evaluated 2024-03-07.

Conditions:
SPART-related disorder. Also called: SPART-related condition.

Allele frequency attached by ClinVar (database versions not stated): gnomAD exomes below 0.00001; ExAC 0.00001; gnomAD 0.00002; TOPMed 0.00003; ESP Exome Variant Server 0.00008.

Submissions (2):

Labcorp Genetics (formerly Invitae), Labcorp
Classification: Pathogenic. Last evaluated: 2024-03-07. Review status: criteria provided, single submitter. Criteria: Invitae Variant Classification Sherloc (09022015). Collection method: clinical testing. Allele origin: germline.
Comment: This sequence change creates a premature translational stop signal (p.Asp259Valfs*4) in the SPART gene. It is expected to result in an absent or disrupted protein product. Loss-of-function variants in SPART are known to be pathogenic (PMID: 18413476, 20437587, 20504295). This variant is present in population databases (rs748865622, gnomAD 0.01%). This variant has not been reported in the literature in individuals affected with SPART-related conditions. ClinVar contains an entry for this variant (Variation ID: 2186296). For these reasons, this variant has been classified as Pathogenic.

PreventionGenetics, part of Exact Sciences
Classification: Likely pathogenic for SPART-related condition. Last evaluated: 2023-05-03. Review status: criteria provided, single submitter. Criteria: ACMG Guidelines, 2015. Collection method: clinical testing. Allele origin: germline.
Comment: The SPART c.776delA variant is predicted to result in a frameshift and premature protein termination (p.Asp259Valfs*4). To our knowledge, this variant has not been reported in the literature. This variant is reported in 0.023% of alleles in individuals of African descent in gnomAD. Frameshift variants in SPART are expected to be pathogenic. This variant is interpreted as likely pathogenic.

Literature cited by the submitters: PubMed 18413476 (cited by Labcorp Genetics (formerly Invitae), Labcorp); PubMed 20437587 (cited by Labcorp Genetics (formerly Invitae), Labcorp); PubMed 20504295 (cited by Labcorp Genetics (formerly Invitae), Labcorp).